The following is an entry in ClinVar:

NM_003978.5(PSTPIP1):c.181G>T (p.Ala61Ser)

Gene: PSTPIP1 (proline-serine-threonine phosphatase interacting protein 1; plus strand). Cytogenetic location: 15q24.3.
Variant type: single nucleotide variant.
Coding change: c.181G>T on transcript NM_003978.5 (MANE Select); coding-DNA position 181, G replaced by T.
Protein change: p.Ala61Ser; replaces alanine 61 with serine.
Molecular consequence: missense variant. On other transcripts: non-coding transcript variant (1).
Genome position (GRCh38, 1-based): chr15:77,018,500, G>T. VCF-style: chr15-77018500-G-T. GRCh37 (hg19) VCF-style: chr15-77310841-G-T.
Other names: c.181G>T, p.Ala61Ser (NM_001321135.2); c.154G>T, p.Ala52Ser (NM_001321136.2); c.376G>T, p.Ala126Ser (NM_001321137.1); short protein forms A126S, A52S, A61S.
Identifiers: ClinVar variation 1382064 (VCV001382064.8), dbSNP rs568503340, ClinGen allele CA393518458.

ClinVar aggregate classification (germline): Uncertain significance (1 of 4 stars; one submission).

Conditions:
Pyogenic arthritis-pyoderma gangrenosum-acne syndrome (PAPA). Also called: PAPA SYNDROME; FAMILIAL RECURRENT ARTHRITIS. Identifiers: Orphanet 69126, MedGen C1858361, MONDO:0011462, OMIM 604416.

gnomAD v4.1: 1 of 1,580,530 alleles (0.000063%); highest among the groups gnomAD compares: Non-Finnish European, 0.000086%; no homozygotes.

Submission:

Labcorp Genetics (formerly Invitae), Labcorp
Classification: Uncertain significance for Pyogenic arthritis-pyoderma gangrenosum-acne syndrome. Last evaluated: 2021-03-29. Review status: criteria provided, single submitter. Criteria: Invitae Variant Classification Sherloc (09022015). Collection method: clinical testing. Allele origin: germline.
Comment: In summary, the available evidence is currently insufficient to determine the role of this variant in disease. Therefore, it has been classified as a Variant of Uncertain Significance. Algorithms developed to predict the effect of missense changes on protein structure and function are either unavailable or do not agree on the potential impact of this missense change (SIFT: "Tolerated"; PolyPhen-2: "Probably Damaging"; Align-GVGD: "Class C0"). This variant has not been reported in the literature in individuals with PSTPIP1-related conditions. This variant is not present in population databases (ExAC no frequency). This sequence change replaces alanine with serine at codon 61 of the PSTPIP1 protein (p.Ala61Ser). The alanine residue is moderately conserved and there is a moderate physicochemical difference between alanine and serine.